The following is an entry in ClinVar:

ClinVar aggregate classification (germline): Likely pathogenic (1 of 4 stars; one submission).

Conditions:
Protein S deficiency disease. Also called: Protein S deficiency. Identifiers: MedGen C0242666, MeSH D018455, MONDO:0002304.

Submission:

MVZ Dr. Eberhard & Partner Dortmund
Classification: Likely pathogenic for Protein S deficiency disease. Last evaluated: 2023-11-28. Review status: criteria provided, single submitter. Criteria: ACMG Guidelines, 2015. Collection method: clinical testing. Allele origin: unknown. Observed: 1 heterozygote.
Comment: This variant was absent from variant databases (HGMD, ClinVar, LOVD). It has not yet been described in the literature and is not found in control groups of different ethnic groups. Computer-based analyses to predict the pathogenetic relevance of an amino acid substitution consistently showed that p.(Phe72Ser) could influence the function of the protein and be pathogenetically significant. In addition, the variant for p.(Phe72Cys) at the same codon has already been described in a patient with protein S deficiency and deep vein thrombosis (PMID: 7803790). The affected amino acid position is highly conserved as it is part of the Gla domain and changes may be destabilizing (PMID: 29854880).

NM_000313.4(PROS1):c.215T>C (p.Phe72Ser)

Gene: PROS1 (protein S; minus strand). Cytogenetic location: 3q11.1.
Variant type: single nucleotide variant.
Coding change: c.215T>C on transcript NM_000313.4 (MANE Select); coding-DNA position 215, T replaced by C.
Protein change: p.Phe72Ser; replaces phenylalanine 72 with serine.
Molecular consequence: missense variant.
Genome position (GRCh38, 1-based): chr3:93,927,269, A>G on the plus strand (T>C on the coding strand, the complement: PROS1 is on the minus strand). VCF-style: chr3-93927269-A-G. GRCh37 (hg19) VCF-style: chr3-93646113-A-G.
Other names: c.311T>C, p.Phe104Ser (NM_001314077.2); short protein forms F104S, F72S.
Identifiers: ClinVar variation 2775420 (VCV002775420.2), dbSNP rs2471793821, ClinGen allele CA353674445.
Genomic context (GRCh38, chr3:93,927,269, plus strand): 5'-TGTCTAGATGTGTGAACTTGATAGTTTCCATAAATGCTTACCGTTTCCGGGTCATTTTCA[A>G]AGACCTCCCTGGCTTCTTCTTTATTGCACAGTTCTTCGATGCATTCTCTTTCAAGATTAC-3'
Protein context (NP_000304.2, residues 62-82): LCNKEEAREV[Phe72Ser]ENDPETDYFY